The following is an entry in ClinVar:

ClinVar aggregate classification (germline): Uncertain significance (1 of 4 stars; one submission).

Conditions:
AKR1D1-related disorder. Also called: AKR1D1-related condition.

gnomAD v4.1: 48 of 1,614,044 alleles (0.003%); highest among the groups gnomAD compares: Non-Finnish European, 0.0038%; no homozygotes.

Submission:

PreventionGenetics, part of Exact Sciences
Classification: Uncertain significance for AKR1D1-related condition. Last evaluated: 2025-09-09. Review status: criteria provided, single submitter. Criteria: ACMG Guidelines, 2015. Collection method: clinical testing. Allele origin: germline.
Comment: The AKR1D1 c.497T>C variant is predicted to result in the amino acid substitution p.Leu166Pro. To our knowledge, this variant has not been reported in the literature. This variant is reported in 0.0062% of alleles in individuals of African descent in gnomAD. At this time, the clinical significance of this variant is uncertain due to the absence of conclusive functional and genetic evidence.

NM_005989.4(AKR1D1):c.497T>C (p.Leu166Pro)

Gene: AKR1D1 (aldo-keto reductase family 1 member D1; plus strand). Cytogenetic location: 7q33.
Variant type: single nucleotide variant.
Coding change: c.497T>C on transcript NM_005989.4 (MANE Select); coding-DNA position 497, T replaced by C.
Protein change: p.Leu166Pro; replaces leucine 166 with proline.
Molecular consequence: missense variant. On other transcripts: intron variant (1).
Genome position (GRCh38, 1-based): chr7:138,105,347, T>C. VCF-style: chr7-138105347-T-C. GRCh37 (hg19) VCF-style: chr7-137790093-T-C.
Other names: c.497T>C, p.Leu166Pro (NM_001190907.2); c.457-1261T>C (NM_001190906.2); short protein forms L166P.
Identifiers: ClinVar variation 4982083 (VCV004982083.1).